The following is an entry in ClinVar:

ClinVar aggregate classification (germline): Uncertain significance. Review status: criteria provided, multiple submitters, no conflicts (2 of 4 stars). 3 submissions from 3 submitters: Uncertain significance (2). 1 of the submissions does not count toward it. Last evaluated 2025-12-15.

Conditions:
Cardiovascular phenotype. Identifiers: MedGen CN230736.
Long QT syndrome (LQTS). Identifiers: MedGen C0023976, MeSH D008133, MONDO:0002442. Disease mechanism: loss of function. Inheritance: Various modes of inheritance.
SUDDEN INFANT DEATH SYNDROME (SIDS). Also called: Sudden Infant Death. Identifiers: MedGen C0038644, MeSH D013398, OMIM 272120.

Allele frequency attached by ClinVar (database versions not stated): gnomAD exomes below 0.00001.

Submissions (3):

Labcorp Genetics (formerly Invitae), Labcorp
Classification: Uncertain significance for Long QT syndrome. Last evaluated: 2025-12-15. Review status: criteria provided, single submitter. Criteria: Invitae Variant Classification Sherloc (09022015). Collection method: clinical testing. Allele origin: germline.
Comment: This sequence change replaces arginine, which is basic and polar, with glutamine, which is neutral and polar, at codon 273 of the KCNH2 protein (p.Arg273Gln). This variant is not present in population databases (gnomAD no frequency). This missense change has been observed in individual(s) with sudden infant death syndrome (PMID: 17210839). ClinVar contains an entry for this variant (Variation ID: 67531). An algorithm developed to predict the effect of missense changes on protein structure and function (PolyPhen-2) suggests that this variant is likely to be tolerated. Experimental studies have shown that this missense change affects KCNH2 function (PMID: 18222468). In summary, the available evidence is currently insufficient to determine the role of this variant in disease. Therefore, it has been classified as a Variant of Uncertain Significance.

Ambry Genetics
Classification: Uncertain significance for Cardiovascular phenotype. Last evaluated: 2020-06-30. Review status: criteria provided, single submitter. Criteria: Ambry Variant Classification Scheme 2023. Collection method: clinical testing. Allele origin: germline.

Cardiovascular Biomedical Research Unit, Royal Brompton & Harefield NHS Foundation Trust
No classification provided. Condition: SUDDEN INFANT DEATH SYNDROME. Review status: no classification provided. Collection method: literature only. Allele origin: germline. Not counted in ClinVar's aggregate classification.
Comment: This variant has been reported as associated with Sudden infant death syndrome in the following publications (PMID:17210839). This is a literature report, and does not necessarily reflect the clinical interpretation of the Imperial College / Royal Brompton Cardiovascular Genetics laboratory.

Literature cited by the submitters: PubMed 17210839 (cited by Labcorp Genetics (formerly Invitae), Labcorp and Cardiovascular Biomedical Research Unit, Royal Brompton & Harefield NHS Foundation Trust); PubMed 18222468 (cited by Labcorp Genetics (formerly Invitae), Labcorp); PubMed 22581653 (cited by Cardiovascular Biomedical Research Unit, Royal Brompton & Harefield NHS Foundation Trust).

NM_000238.4(KCNH2):c.818G>A (p.Arg273Gln)

Gene: KCNH2 (potassium voltage-gated channel subfamily H member 2; minus strand). Cytogenetic location: 7q36.1.
Variant type: single nucleotide variant.
Coding change: c.818G>A on transcript NM_000238.4 (MANE Select); coding-DNA position 818, G replaced by A.
Protein change: p.Arg273Gln; replaces arginine 273 with glutamine.
Molecular consequence: missense variant.
Genome position (GRCh38, 1-based): chr7:150,958,157, C>T on the plus strand (G>A on the coding strand, the complement: KCNH2 is on the minus strand). VCF-style: chr7-150958157-C-T. GRCh37 (hg19) VCF-style: chr7-150655245-C-T.
Other names: c.818G>A (LRG_288t1); c.530G>A, p.Arg177Gln (NM_001406753.1, NM_001406756.1); c.641G>A, p.Arg214Gln (NM_001406755.1); c.518G>A, p.Arg173Gln (NM_001406757.1); c.818G>A, p.Arg273Gln (NM_172056.3); short protein forms R273Q, R173Q, R177Q, R214Q.
Identifiers: ClinVar variation 67531 (VCV000067531.6), dbSNP rs199472877, ClinGen allele CA008852.